The following is an entry in ClinVar:

NM_006545.5(NPRL2):c.79-1G>T

Gene: NPRL2 (NPR2 like, GATOR1 complex subunit; minus strand). Cytogenetic location: 3p21.31.
Variant type: single nucleotide variant.
Coding change: c.79-1G>T on transcript NM_006545.5 (MANE Select); the canonical splice acceptor site of the intron before coding-DNA position 79, G replaced by T.
Molecular consequence: splice acceptor variant.
Genome position (GRCh38, 1-based): chr3:50,350,023, C>A on the plus strand (G>T on the coding strand, the complement: NPRL2 is on the minus strand). VCF-style: chr3-50350023-C-A. GRCh37 (hg19) VCF-style: chr3-50387454-C-A.
Identifiers: ClinVar variation 1172663 (VCV001172663.1), dbSNP rs2109368530, ClinGen allele CA352952500.
Genomic context (GRCh38, chr3:50,350,023, plus strand): 5'-GGTGATGATGTACACTTGGACTGTGTCAAACAGCTCTCGGGAGATGAAGTCTTCAGGGAC[C>A]TGGGGAGGGGAGTGGCAATGGGCCCCTCAGTGGACATCTGTACTGGGTGTAGTACAAATG-3'

ClinVar aggregate classification (germline): Likely pathogenic (1 of 4 stars; one submission).

Conditions:
Neonatal respiratory distress. Identifiers: MedGen C4281993, HP:0002643.

Submission:

Equipe Genetique des Anomalies du Developpement, Université de Bourgogne
Classification: Likely pathogenic for Neonatal respiratory distress. Review status: criteria provided, single submitter. Criteria: ACMG Guidelines, 2015. Collection method: clinical testing. Allele origin: maternal. Affected: yes.